The following is an entry in ClinVar:

ClinVar aggregate classification (germline): Uncertain significance (1 of 4 stars; one submission).

Submission:

Labcorp Genetics (formerly Invitae), Labcorp
Classification: Uncertain significance. Last evaluated: 2024-04-06. Review status: criteria provided, single submitter. Criteria: Invitae Variant Classification Sherloc (09022015). Collection method: clinical testing. Allele origin: germline.
Comment: This sequence change replaces glycine, which is neutral and non-polar, with serine, which is neutral and polar, at codon 354 of the MAGEL2 protein (p.Gly354Ser). This variant is not present in population databases (gnomAD no frequency). This variant has not been reported in the literature in individuals affected with MAGEL2-related conditions. ClinVar contains an entry for this variant (Variation ID: 1940064). Algorithms developed to predict the effect of missense changes on protein structure and function output the following: SIFT: "Not Available"; PolyPhen-2: "Not Available"; Align-GVGD: "Not Available". The serine amino acid residue is found in multiple mammalian species, which suggests that this missense change does not adversely affect protein function. In summary, the available evidence is currently insufficient to determine the role of this variant in disease. Therefore, it has been classified as a Variant of Uncertain Significance.

NM_019066.5(MAGEL2):c.1060G>A (p.Gly354Ser)

Gene: MAGEL2 (MAGE family member L2; minus strand). Cytogenetic location: 15q11.2.
Variant type: single nucleotide variant.
Coding change: c.1060G>A on transcript NM_019066.5 (MANE Select); coding-DNA position 1060, G replaced by A.
Protein change: p.Gly354Ser; replaces glycine 354 with serine.
Molecular consequence: missense variant.
Genome position (GRCh38, 1-based): chr15:23,646,683, C>T on the plus strand (G>A on the coding strand, the complement: MAGEL2 is on the minus strand). VCF-style: chr15-23646683-C-T. GRCh37 (hg19) VCF-style: chr15-23891830-C-T.
Other names: short protein forms G354S.
Identifiers: ClinVar variation 1940064 (VCV001940064.5), dbSNP rs2503982198, ClinGen allele CA391335260.
Genomic context (GRCh38, chr15:23,646,683, plus strand): 5'-CTGGCGAGGTCGCCTGCCAGCCCGGGGGTGTGGCTAGCTGCGCTGGGGGTGCCTGCGGGC[C>T]CTGGGGAACCTGCGGAGGAGCCCTTATAACTTGAGACTGGATTTGCAGGATCAGAGGCTG-3'
Protein context (NP_061939.3, residues 344-364): VIRAPPQVPQ[Gly354Ser]PQAPPAQLAT